The following is an entry in ClinVar:

ClinVar aggregate classification (germline): Likely pathogenic (1 of 4 stars; one submission).

Conditions:
Autosomal recessive limb-girdle muscular dystrophy type 2J (LGMDR10). Also called: Limb-girdle muscular dystrophy, type 2J; MUSCULAR DYSTROPHY, LIMB-GIRDLE, AUTOSOMAL RECESSIVE 10. Identifiers: Orphanet 140922, MedGen C1837342, MONDO:0012127, OMIM 608807.
Dilated cardiomyopathy 1G (CMD1G). Identifiers: Orphanet 154, MedGen C1858763, MONDO:0011400, OMIM 604145.

Submission:

Labcorp Genetics (formerly Invitae), Labcorp
Classification: Likely pathogenic for Dilated cardiomyopathy 1G; Autosomal recessive limb-girdle muscular dystrophy type 2J. Last evaluated: 2024-04-24. Review status: criteria provided, single submitter. Criteria: Invitae Variant Classification Sherloc (09022015). Collection method: clinical testing. Allele origin: germline.
Comment: This sequence change creates a premature translational stop signal (p.His21032Metfs*31) in the TTN gene. While this is not anticipated to result in nonsense mediated decay, it is expected to create a truncated TTN protein. This variant is not present in population databases (gnomAD no frequency). This variant has not been reported in the literature in individuals affected with TTN-related conditions. ClinVar contains an entry for this variant (Variation ID: 2018996). This variant is located in the A band of TTN (PMID: 25589632). Truncating variants in this region are significantly overrepresented in patients affected with dilated cardiomyopathy (PMID: 25589632). Truncating variants in this region have also been reported in individuals affected with autosomal recessive centronuclear myopathy (PMID: 23975875). In summary, the currently available evidence indicates that the variant is pathogenic, but additional data are needed to prove that conclusively. Therefore, this variant has been classified as Likely Pathogenic.

Literature cited by the submitters: PubMed 25589632; PubMed 23975875.

NM_001267550.2(TTN):c.63094del (p.His21032fs)

Genes: TTN (titin; minus strand), TTN-AS1 (TTN antisense RNA 1; plus strand). Cytogenetic location: 2q31.2.
Variant type: Deletion.
Coding change: c.63094del on transcript NM_001267550.2 (MANE Select); coding-DNA position 63094, one base deleted (C; older notation c.63094delC).
Protein change: p.His21032fs; shifts the reading frame from histidine 21032.
Molecular consequence: frameshift variant.
Genome position (GRCh38, 1-based): chr2:178,588,631, G deleted on the plus strand (C on the coding strand, the reverse complement: TTN is on the minus strand); the first of 2 consecutive G bases (chr2:178,588,631-178,588,632); deleting either gives the same sequence. VCF-style (leftmost placement, unchanged base first): chr2-178588630-TG-T. GRCh37 (hg19) VCF-style: chr2-179453357-TG-T.
Other names: c.58171del, p.His19391fs (NM_001256850.1); c.35899del, p.His11967fs (NM_003319.4); c.55390del, p.His18464fs (NM_133378.4); c.36274del, p.His12092fs (NM_133432.3); c.36475del, p.His12159fs (NM_133437.4); short protein forms H11967fs, H12159fs, H12092fs, H18464fs, H21032fs, H19391fs.
Identifiers: ClinVar variation 2018996 (VCV002018996.4), dbSNP rs2469357703, ClinGen allele CA2580064814.